The following is an entry in ClinVar:

NM_020964.3(EPG5):c.5218C>A (p.Pro1740Thr)

Gene: EPG5 (ectopic P-granules 5 autophagy tethering factor; minus strand). Cytogenetic location: 18q12.3.
Variant type: single nucleotide variant.
Coding change: c.5218C>A on transcript NM_020964.3 (MANE Select); coding-DNA position 5218, C replaced by A.
Protein change: p.Pro1740Thr; replaces proline 1740 with threonine.
Molecular consequence: missense variant.
Genome position (GRCh38, 1-based): chr18:45,884,703, G>T on the plus strand (C>A on the coding strand, the complement: EPG5 is on the minus strand). VCF-style: chr18-45884703-G-T. GRCh37 (hg19) VCF-style: chr18-43464668-G-T.
Other names: short protein forms P1740T.
Identifiers: ClinVar variation 1500098 (VCV001500098.8), dbSNP rs2145443901, ClinGen allele CA402345519.

ClinVar aggregate classification (germline): Uncertain significance (1 of 4 stars; one submission).

Conditions:
Vici syndrome (VICIS). Identifiers: Orphanet 1493, MedGen C1855772, MONDO:0009452, OMIM 242840.

Submission:

Labcorp Genetics (formerly Invitae), Labcorp
Classification: Uncertain significance for Vici syndrome. Last evaluated: 2024-10-16. Review status: criteria provided, single submitter. Criteria: Invitae Variant Classification Sherloc (09022015). Collection method: clinical testing. Allele origin: germline.
Comment: This sequence change replaces proline, which is neutral and non-polar, with threonine, which is neutral and polar, at codon 1740 of the EPG5 protein (p.Pro1740Thr). This variant is not present in population databases (gnomAD no frequency). This variant has not been reported in the literature in individuals affected with EPG5-related conditions. ClinVar contains an entry for this variant (Variation ID: 1500098). Invitae Evidence Modeling of protein sequence and biophysical properties (such as structural, functional, and spatial information, amino acid conservation, physicochemical variation, residue mobility, and thermodynamic stability) indicates that this missense variant is expected to disrupt EPG5 protein function with a positive predictive value of 80%. In summary, the available evidence is currently insufficient to determine the role of this variant in disease. Therefore, it has been classified as a Variant of Uncertain Significance.